The following is an entry in ClinVar:

ClinVar aggregate classification (germline): Uncertain significance. Review status: criteria provided, multiple submitters, no conflicts (2 of 4 stars). 2 submissions from 2 submitters: Uncertain significance (2). Last evaluated 2026-05-22.

Submissions (2):

Women's Health and Genetics/Laboratory Corporation of America, LabCorp
Classification: Uncertain significance. Last evaluated: 2026-05-22. Review status: criteria provided, single submitter. Criteria: LabCorp Variant Classification Summary - May 2015. Collection method: clinical testing. Allele origin: germline.
Comment: Variant summary: GNB4 c.596_598delinsATA (p.Phe199_Val200delinsTyrIle) results in an in-frame deletion-insertion that is predicted to delete and insert two amino acids. The variant was absent in 251422 control chromosomes (gnomAD). The available data on variant occurrences in the general population are insufficient to allow any conclusion about variant significance. To our knowledge, no occurrence of c.596_598delinsATA in individuals affected with GNB4-related conditions and no experimental evidence demonstrating its impact on protein function have been reported. ClinVar contains an entry for this variant (Variation ID: 3379515). Based on the evidence outlined above, the variant was classified as uncertain significance.

Mayo Clinic Laboratories, Mayo Clinic
Classification: Uncertain significance. Last evaluated: 2023-07-19. Review status: criteria provided, single submitter. Criteria: ACMG Guidelines, 2015. Collection method: clinical testing. Allele origin: germline. Observed: 1 variant allele.
Comment: PM2_moderate, PM4

NM_021629.4(GNB4):c.596_598delinsATA (p.Phe199_Val200delinsTyrIle)

Gene: GNB4 (G protein subunit beta 4; minus strand). Cytogenetic location: 3q26.33.
Variant type: Indel.
Coding change: c.596_598delinsATA on transcript NM_021629.4 (MANE Select); coding-DNA positions 596 to 598, TTG replaced by ATA.
Protein change: p.Phe199_Val200delinsTyrIle.
Molecular consequence: missense variant.
Genome position (GRCh38, 1-based): chr3:179,413,513-179,413,515, CAA replaced by TAT on the plus strand (TTG replaced by ATA on the coding strand, the reverse complement: GNB4 is on the minus strand). VCF-style: chr3-179413513-CAA-TAT. GRCh37 (hg19) VCF-style: chr3-179131301-CAA-TAT.
Other names: p.Phe199_Val200delinsTyrIle.
Identifiers: ClinVar variation 3379515 (VCV003379515.2).